The following is an entry in ClinVar:

NM_004304.5(ALK):c.1508T>C (p.Val503Ala)

Gene: ALK (ALK receptor tyrosine kinase; minus strand). Cytogenetic location: 2p23.2.
Variant type: single nucleotide variant.
Coding change: c.1508T>C on transcript NM_004304.5 (MANE Select); coding-DNA position 1508, T replaced by C.
Protein change: p.Val503Ala; replaces valine 503 with alanine.
Molecular consequence: missense variant.
Genome position (GRCh38, 1-based): chr2:29,320,789, A>G on the plus strand (T>C on the coding strand, the complement: ALK is on the minus strand). VCF-style: chr2-29320789-A-G. GRCh37 (hg19) VCF-style: chr2-29543655-A-G.
Other names: short protein forms V503A.
Identifiers: ClinVar variation 3223793 (VCV003223793.1), dbSNP rs759251908, ClinGen allele CA346472316.

ClinVar aggregate classification (germline): Uncertain significance (1 of 4 stars; one submission).

Conditions:
Hereditary cancer-predisposing syndrome. Also called: Tumor predisposition; Hereditary neoplastic syndrome; Hereditary Cancer Syndrome; Neoplastic Syndromes, Hereditary. Identifiers: Orphanet 140162, MedGen C0027672, MeSH D009386, MONDO:0015356.

Allele frequency attached by ClinVar (database versions not stated): gnomAD exomes below 0.00001.
gnomAD v4.1: 1 of 1,613,600 alleles (0.000062%); highest among the groups gnomAD compares: South Asian, 0.0011%; no homozygotes.

Submission:

Ambry Genetics
Classification: Uncertain significance for Hereditary cancer-predisposing syndrome. Last evaluated: 2024-02-24. Review status: criteria provided, single submitter. Criteria: Ambry Variant Classification Scheme 2023. Collection method: clinical testing. Allele origin: germline.
Comment: The p.V503A variant (also known as c.1508T>C), located in coding exon 7 of the ALK gene, results from a T to C substitution at nucleotide position 1508. The valine at codon 503 is replaced by alanine, an amino acid with similar properties. This amino acid position is conserved. In addition, this alteration is predicted to be tolerated by in silico analysis. Based on the available evidence, the clinical significance of this alteration remains unclear.